The following is an entry in ClinVar:

ClinVar aggregate classification (germline): Benign. Review status: criteria provided, multiple submitters, no conflicts (2 of 4 stars). 2 submissions from 2 submitters: Benign (2). Last evaluated 2018-01-12.

Conditions:
Pitt-Hopkins syndrome (PTHS). Also called: ENCEPHALOPATHY, SEVERE EPILEPTIC, WITH AUTONOMIC DYSFUNCTION; MENTAL RETARDATION, SYNDROMAL, WITH INTERMITTENT HYPERVENTILATION. Identifiers: Orphanet 2896, MedGen C1970431, MONDO:0012589, OMIM 610954.

Allele frequency attached by ClinVar (database versions not stated): gnomAD exomes 0.36842; 1000 Genomes Project 0.44369; 1000 Genomes Project 30x 0.45003; gnomAD 0.48951 and 0.50173; TOPMed 0.50771.
gnomAD v4.1: 74,663 of 152,490 alleles (49%); highest among the groups gnomAD compares: African/African-American, 67%; 19,303 homozygotes.

Submissions (2):

Illumina Laboratory Services, Illumina
Classification: Benign for Pitt-Hopkins syndrome. Last evaluated: 2018-01-12. Review status: criteria provided, single submitter. Criteria: ICSL Variant Classification Criteria 13 December 2019. Collection method: clinical testing. Allele origin: germline.
Comment: This variant was observed in the ICSL laboratory as part of a predisposition screen in an ostensibly healthy population. It had not been previously curated by ICSL or reported in the Human Gene Mutation Database (HGMD: prior to June 1st, 2018), and was therefore a candidate for classification through an automated scoring system. Utilizing variant allele frequency, disease prevalence and penetrance estimates, and inheritance mode, an automated score was calculated to assess if this variant is too frequent to cause the disease. Based on the score and internal cut-off values, a variant classified as benign is not then subjected to further curation. The score for this variant resulted in a classification of benign for this disease.

Breakthrough Genomics
Classification: Benign. Review status: criteria provided, single submitter. Criteria: ACMG Guidelines, 2015. Collection method: not provided. Allele origin: germline. Inheritance: Autosomal dominant inheritance. Affected: yes.

NM_001083962.2(TCF4):c.*5106T>C

Gene: TCF4 (transcription factor 4; minus strand). Cytogenetic location: 18q21.2.
Variant type: single nucleotide variant.
Coding change: c.*5106T>C on transcript NM_001083962.2 (MANE Select); 5106 bases downstream of the stop codon, T replaced by C.
Molecular consequence: 3 prime UTR variant.
Genome position (GRCh38, 1-based): chr18:55,222,929, A>G on the plus strand (T>C on the coding strand, the complement: TCF4 is on the minus strand). VCF-style: chr18-55222929-A-G. GRCh37 (hg19) VCF-style: chr18-52890160-A-G.
Other names: c.*5106T>C (NM_001243226.3, NM_001243227.2, NM_001243228.2 and 42 more transcripts).
Identifiers: ClinVar variation 327231 (VCV000327231.6), dbSNP rs1261084, ClinGen allele CA10647824.